The following is an entry in ClinVar:

NM_004366.6(CLCN2):c.105A>G (p.Lys35=)

Gene: CLCN2 (chloride voltage-gated channel 2; minus strand). Cytogenetic location: 3q27.1.
Variant type: single nucleotide variant.
Coding change: c.105A>G on transcript NM_004366.6 (MANE Select); coding-DNA position 105, A replaced by G.
Protein change: p.Lys35=; no amino-acid change (lysine 35 retained).
Molecular consequence: synonymous variant.
Genome position (GRCh38, 1-based): chr3:184,359,090, T>C on the plus strand (A>G on the coding strand, the complement: CLCN2 is on the minus strand). VCF-style: chr3-184359090-T-C. GRCh37 (hg19) VCF-style: chr3-184076878-T-C.
Other names: c.105A>G, p.Lys35= (NM_001171087.3, NM_001171088.3, NM_001171089.3); c.105A>G (NM_004366.5).
Identifiers: ClinVar variation 2143240 (VCV002143240.5), dbSNP rs1711650420, ClinGen allele CA437168597.
Genomic context (GRCh38, chr3:184,359,090, plus strand): 5'-AGAGGAAGGGGGACCTTTCCAGGGTTCAGGCCCTCCCAGGCGAATCCGAGCAGCTTCCTC[T>C]TTGGCAAAGGCCCCAAGGTCCTGAGTGTACCGGCCATACATCTGGAGCAACAGAGGGGAT-3'
Protein context (NP_004357.3, residues 25-45): RYTQDLGAFA[Lys35=]EEAARIRLGG

ClinVar aggregate classification (germline): Likely benign. Review status: criteria provided, multiple submitters, no conflicts (2 of 4 stars). 2 submissions from 2 submitters: Likely benign (2). Last evaluated 2025-09-15.

Conditions:
CLCN2-related disorder. Also called: CLCN2-related condition; CLCN2-related disorders.

Allele frequency attached by ClinVar (database versions not stated): TOPMed 0.00001.
gnomAD v4.1: 2 of 1,613,758 alleles (0.00012%); no homozygotes.

Submissions (2):

PreventionGenetics, part of Exact Sciences
Classification: Likely benign for CLCN2-related condition. Last evaluated: 2025-09-15. Review status: criteria provided, single submitter. Criteria: ACMG Guidelines, 2015. Collection method: clinical testing. Allele origin: germline.
Comment: This variant is classified as likely benign based on ACMG/AMP sequence variant interpretation guidelines (Richards et al. 2015 PMID: 25741868, with internal and published modifications).

Labcorp Genetics (formerly Invitae), Labcorp
Classification: Likely benign. Last evaluated: 2022-09-28. Review status: criteria provided, single submitter. Criteria: Invitae Variant Classification Sherloc (09022015). Collection method: clinical testing. Allele origin: germline.